The following is an entry in ClinVar:

ClinVar aggregate classification (germline): Uncertain significance (1 of 4 stars; one submission).

Conditions:
Cardiovascular phenotype. Identifiers: MedGen CN230736.

Allele frequency attached by ClinVar (database versions not stated): gnomAD exomes below 0.00001.
gnomAD v4.1: 1 of 1,614,068 alleles (0.000062%); highest among the groups gnomAD compares: Non-Finnish European, 0.000085%; no homozygotes.

Submission:

Ambry Genetics
Classification: Uncertain significance for Cardiovascular phenotype. Last evaluated: 2023-12-07. Review status: criteria provided, single submitter. Criteria: Ambry Variant Classification Scheme 2023. Collection method: clinical testing. Allele origin: germline.
Comment: The p.D466N variant (also known as c.1396G>A), located in coding exon 10 of the DSC2 gene, results from a G to A substitution at nucleotide position 1396. The aspartic acid at codon 466 is replaced by asparagine, an amino acid with highly similar properties. This amino acid position is conserved. In addition, this alteration is predicted to be tolerated by in silico analysis. Since supporting evidence is limited at this time, the clinical significance of this alteration remains unclear.

NM_024422.6(DSC2):c.1396G>A (p.Asp466Asn)

Gene: DSC2 (desmocollin 2; minus strand). Cytogenetic location: 18q12.1.
Variant type: single nucleotide variant.
Coding change: c.1396G>A on transcript NM_024422.6 (MANE Select); coding-DNA position 1396, G replaced by A.
Protein change: p.Asp466Asn; replaces aspartic acid 466 with asparagine.
Molecular consequence: missense variant.
Genome position (GRCh38, 1-based): chr18:31,080,220, C>T on the plus strand (G>A on the coding strand, the complement: DSC2 is on the minus strand). VCF-style: chr18-31080220-C-T. GRCh37 (hg19) VCF-style: chr18-28660186-C-T.
Other names: c.967G>A, p.Asp323Asn (NM_001406506.1, NM_001406507.1); c.1396G>A, p.Asp466Asn (NM_004949.5); short protein forms D323N, D466N.
Identifiers: ClinVar variation 3227837 (VCV003227837.1), dbSNP rs2510947038, ClinGen allele CA402108592.